The following is an entry in ClinVar:

ClinVar aggregate classification (germline): Benign. Review status: criteria provided, multiple submitters, no conflicts (2 of 4 stars). 6 submissions from 6 submitters: Benign (5). 1 of the submissions does not count toward it. Last evaluated 2026-02-03.

Conditions:
Early-onset progressive encephalopathy-hearing loss-pons hypoplasia-brain atrophy syndrome. Also called: ENCEPHALOPATHY, PROGRESSIVE, EARLY-ONSET, WITH BRAIN ATROPHY AND SPASTICITY. Identifiers: Orphanet 500144, MedGen C5567229, MONDO:0044696, OMIM 617669.
TRAPPC12-related disorder. Also called: TRAPPC12-related condition.

Allele frequency attached by ClinVar (database versions not stated): gnomAD 0.22847 and 0.23529; TOPMed 0.22964; gnomAD exomes 0.26009; 1000 Genomes Project 30x 0.29888; 1000 Genomes Project 0.30511; ExAC 0.37711.
gnomAD v4.1: 357,575 of 1,508,732 alleles (24%); highest among the groups gnomAD compares: East Asian, 44%; 45,193 homozygotes.

Submissions (6):

Labcorp Genetics (formerly Invitae), Labcorp
Classification: Benign. Last evaluated: 2026-02-03. Review status: criteria provided, single submitter. Criteria: Invitae Variant Classification Sherloc (09022015). Collection method: clinical testing. Allele origin: germline.

Blueprint Genetics
Classification: Benign. Last evaluated: 2024-11-26. Review status: criteria provided, single submitter. Criteria: ACMG Guidelines, 2015. Collection method: clinical testing. Allele origin: germline.

Genome-Nilou Lab
Classification: Benign for Early-onset progressive encephalopathy-hearing loss-pons hypoplasia-brain atrophy syndrome. Last evaluated: 2021-09-10. Review status: criteria provided, single submitter. Criteria: ACMG Guidelines, 2015. Collection method: clinical testing. Allele origin: germline. Affected: no.

GeneDx
Classification: Benign. Last evaluated: 2020-08-12. Review status: criteria provided, single submitter. Criteria: GeneDx Variant Classification Process June 2021. Collection method: clinical testing. Allele origin: germline. Affected: yes.

Breakthrough Genomics
Classification: Benign. Review status: criteria provided, single submitter. Criteria: ACMG Guidelines, 2015. Collection method: not provided. Allele origin: germline. Inheritance: Autosomal recessive inheritance. Affected: yes.

PreventionGenetics, part of Exact Sciences
Classification: Benign for TRAPPC12-related condition. Last evaluated: 2019-10-18. Review status: no assertion criteria provided. Collection method: clinical testing. Allele origin: germline. Not counted in ClinVar's aggregate classification.
Comment: This variant is classified as benign based on ACMG/AMP sequence variant interpretation guidelines (Richards et al. 2015 PMID: 25741868, with internal and published modifications).

NM_016030.6(TRAPPC12):c.432C>T (p.Ala144=)

Gene: TRAPPC12 (trafficking protein particle complex subunit 12; plus strand). Cytogenetic location: 2p25.3.
Variant type: single nucleotide variant.
Coding change: c.432C>T on transcript NM_016030.6 (MANE Select); coding-DNA position 432, C replaced by T.
Protein change: p.Ala144=; no amino-acid change (alanine 144 retained).
Molecular consequence: synonymous variant.
Genome position (GRCh38, 1-based): chr2:3,388,055, C>T. VCF-style: chr2-3388055-C-T. GRCh37 (hg19) VCF-style: chr2-3391826-C-T.
Other names: c.432C>T, p.Ala144= (NM_001321102.2).
Identifiers: ClinVar variation 1273981 (VCV001273981.16), dbSNP rs11127423, ClinGen allele CA1515083.